The following is an entry in ClinVar:

NM_024642.5(GALNT12):c.1735C>T (p.Arg579Cys)

Gene: GALNT12 (polypeptide N-acetylgalactosaminyltransferase 12; plus strand). Cytogenetic location: 9q22.33.
Variant type: single nucleotide variant.
Coding change: c.1735C>T on transcript NM_024642.5 (MANE Select); coding-DNA position 1735, C replaced by T.
Protein change: p.Arg579Cys; replaces arginine 579 with cysteine.
Molecular consequence: missense variant.
Genome position (GRCh38, 1-based): chr9:98,849,081, C>T. VCF-style: chr9-98849081-C-T. GRCh37 (hg19) VCF-style: chr9-101611363-C-T.
Other names: short protein forms R579C.
Identifiers: ClinVar variation 1779060 (VCV001779060.7), dbSNP rs2118524116, ClinGen allele CA374223400.
Genomic context (GRCh38, chr9:98,849,081, plus strand): 5'-TTCGTTCCACTCTTACGAGACTGCACCAACTCGGATCATCAGAAATGGTTCTTCAAAGAG[C>T]GCATGTTATGAAGCCTCGTGTATCAAGGAGCCCATCGAAGGAGACTGTGGAGCCAGGACT-3'
Protein context (NP_078918.3, residues 569-581): SDHQKWFFKE[Arg579Cys]ML

ClinVar aggregate classification (germline): Uncertain significance. Review status: criteria provided, multiple submitters, no conflicts (2 of 4 stars). 2 submissions from 2 submitters: Uncertain significance (2). Last evaluated 2025-09-12.

Allele frequency attached by ClinVar (database versions not stated): gnomAD exomes 0.00001.
gnomAD v4.1: 11 of 1,614,118 alleles (0.00068%); highest among the groups gnomAD compares: Non-Finnish European, 0.00093%; no homozygotes.

Submissions (2):

Ambry Genetics
Classification: Uncertain significance. Last evaluated: 2025-09-12. Review status: criteria provided, single submitter. Criteria: Ambry Variant Classification Scheme 2023. Collection method: clinical testing. Allele origin: germline.
Comment: The p.R579C variant (also known as c.1735C>T), located in coding exon 10 of the GALNT12 gene, results from a C to T substitution at nucleotide position 1735. The arginine at codon 579 is replaced by cysteine, an amino acid with highly dissimilar properties. This amino acid position is poorly conserved in available vertebrate species. In addition, this alteration is predicted to be tolerated by in silico analysis. Since supporting evidence is limited at this time, the clinical significance of this alteration remains unclear.

Labcorp Genetics (formerly Invitae), Labcorp
Classification: Uncertain significance. Last evaluated: 2023-08-27. Review status: criteria provided, single submitter. Criteria: Invitae Variant Classification Sherloc (09022015). Collection method: clinical testing. Allele origin: germline.
Comment: In summary, the available evidence is currently insufficient to determine the role of this variant in disease. Therefore, it has been classified as a Variant of Uncertain Significance. An algorithm developed to predict the effect of missense changes on protein structure and function (PolyPhen-2) suggests that this variant is likely to be disruptive. ClinVar contains an entry for this variant (Variation ID: 1779060). This variant has not been reported in the literature in individuals affected with GALNT12-related conditions. This variant is not present in population databases (gnomAD no frequency). This sequence change replaces arginine, which is basic and polar, with cysteine, which is neutral and slightly polar, at codon 579 of the GALNT12 protein (p.Arg579Cys).